The following is an entry in ClinVar:

ClinVar aggregate classification (germline): Uncertain significance. Review status: criteria provided, multiple submitters, no conflicts (2 of 4 stars). 3 submissions from 3 submitters: Uncertain significance (3). Last evaluated 2025-04-04.

gnomAD v4.1: 8 of 1,612,832 alleles (0.0005%); highest among the groups gnomAD compares: Non-Finnish European, 0.00068%; no homozygotes.

Submissions (3):

GeneDx
Classification: Uncertain significance. Last evaluated: 2025-04-04. Review status: criteria provided, single submitter. Criteria: GeneDx Variant Classification Process June 2021. Collection method: clinical testing. Allele origin: germline. Affected: yes.
Comment: Not observed at significant frequency in large population cohorts (gnomAD); In silico analysis supports that this missense variant has a deleterious effect on protein structure/function; Has not been previously published as pathogenic or benign to our knowledge; This variant is associated with the following publications: (PMID: 25240749)

Labcorp Genetics (formerly Invitae), Labcorp
Classification: Uncertain significance. Last evaluated: 2022-11-15. Review status: criteria provided, single submitter. Criteria: Invitae Variant Classification Sherloc (09022015). Collection method: clinical testing. Allele origin: germline.
Comment: ClinVar contains an entry for this variant (Variation ID: 1388725). This variant has not been reported in the literature in individuals affected with COL11A1-related conditions. This variant is present in population databases (rs376137502, gnomAD 0.002%). This sequence change replaces glycine, which is neutral and non-polar, with arginine, which is basic and polar, at codon 1405 of the COL11A1 protein (p.Gly1405Arg). Advanced modeling of protein sequence and biophysical properties (such as structural, functional, and spatial information, amino acid conservation, physicochemical variation, residue mobility, and thermodynamic stability) has been performed at Invitae for this missense variant, however the output from this modeling did not meet the statistical confidence thresholds required to predict the impact of this variant on COL11A1 protein function. In summary, the available evidence is currently insufficient to determine the role of this variant in disease. Therefore, it has been classified as a Variant of Uncertain Significance.

Revvity Omics, Revvity
Classification: Uncertain significance. Last evaluated: 2022-10-31. Review status: criteria provided, single submitter. Criteria: ACMG Guidelines, 2015. Collection method: clinical testing. Allele origin: germline.

NM_001854.4(COL11A1):c.4213G>C (p.Gly1405Arg)

Gene: COL11A1 (collagen type XI alpha 1 chain; minus strand). Cytogenetic location: 1p21.1.
Variant type: single nucleotide variant.
Coding change: c.4213G>C on transcript NM_001854.4 (MANE Select); coding-DNA position 4213, G replaced by C.
Protein change: p.Gly1405Arg; replaces glycine 1405 with arginine.
Molecular consequence: missense variant. On other transcripts: non-coding transcript variant (1).
Genome position (GRCh38, 1-based): chr1:102,898,701, C>G on the plus strand (G>C on the coding strand, the complement: COL11A1 is on the minus strand). VCF-style: chr1-102898701-C-G. GRCh37 (hg19) VCF-style: chr1-103364257-C-G.
Other names: c.4213G>C (NM_001854.3); c.4096G>C, p.Gly1366Arg (NM_001190709.2); c.4249G>C, p.Gly1417Arg (NM_080629.3); c.3865G>C, p.Gly1289Arg (NM_080630.4); short protein forms G1366R, G1417R, G1289R, G1405R.
Identifiers: ClinVar variation 1388725 (VCV001388725.9), dbSNP rs376137502, ClinGen allele CA973633.
Genomic context (GRCh38, chr1:102,898,701, plus strand): 5'-GCATCTTTTTAACACAGATGCTCACCACAGGACCAGGGATGCCCCGAAGACCTTCTGGAC[C>G]AGGCTTTCCTGCAGGTCCCTGAGGACCGACTGGGCCGGTTTTTCCAGGAGGACCTTCTGC-3'
Protein context (NP_001845.3, residues 1395-1415): VGPQGPAGKP[Gly1405Arg]PEGLRGIPGP